The following is an entry in ClinVar:

NM_052845.4(MMAB):c.134+286T>C

Gene: MMAB (metabolism of cobalamin associated B; minus strand). Cytogenetic location: 12q24.11.
Variant type: single nucleotide variant.
Coding change: c.134+286T>C on transcript NM_052845.4 (MANE Select); 286 bases into the intron after coding-DNA position 134, T replaced by C.
Molecular consequence: intron variant.
Genome position (GRCh38, 1-based): chr12:109,573,061, A>G on the plus strand (T>C on the coding strand, the complement: MMAB is on the minus strand). VCF-style: chr12-109573061-A-G. GRCh37 (hg19) VCF-style: chr12-110010866-A-G.
Identifiers: ClinVar variation 680635 (VCV000680635.1), dbSNP rs12314392, ClinGen allele CA13632196.

ClinVar aggregate classification (germline): Benign (1 of 4 stars; one submission).

Allele frequency attached by ClinVar (database versions not stated): 1000 Genomes Project 0.44688; 1000 Genomes Project 30x 0.45550; gnomAD 0.47920 and 0.48699; TOPMed 0.49146.
gnomAD v4.1: 72,896 of 152,080 alleles (48%); highest among the groups gnomAD compares: African/African-American, 59%; 18,057 homozygotes.

Submission:

GeneDx
Classification: Benign. Last evaluated: 2018-06-19. Review status: criteria provided, single submitter. Criteria: GeneDx Variant Classification (06012015). Collection method: clinical testing. Allele origin: germline. Affected: yes.
Comment: This variant is considered likely benign or benign based on one or more of the following criteria: it is a conservative change, it occurs at a poorly conserved position in the protein, it is predicted to be benign by multiple in silico algorithms, and/or has population frequency not consistent with disease.